The following is an entry in ClinVar:

ClinVar aggregate classification (germline): Uncertain significance. Review status: criteria provided, multiple submitters, no conflicts (2 of 4 stars). 4 submissions from 4 submitters: Uncertain significance (4). Last evaluated 2024-05-14.

Conditions:
Inborn genetic diseases. Identifiers: MedGen C0950123, MeSH D030342.

Allele frequency attached by ClinVar (database versions not stated): ExAC 0.00001; gnomAD exomes 0.00001; TOPMed 0.00001; gnomAD 0.00002.
gnomAD v4.1: 19 of 1,612,020 alleles (0.0012%); highest among the groups gnomAD compares: Admixed American, 0.0017%; no homozygotes.

Submissions (4):

Labcorp Genetics (formerly Invitae), Labcorp
Classification: Uncertain significance. Last evaluated: 2024-05-14. Review status: criteria provided, single submitter. Criteria: Invitae Variant Classification Sherloc (09022015). Collection method: clinical testing. Allele origin: germline.
Comment: This sequence change replaces alanine, which is neutral and non-polar, with proline, which is neutral and non-polar, at codon 2074 of the CACNA1G protein (p.Ala2074Pro). This variant is present in population databases (rs57607229, gnomAD 0.002%). This variant has not been reported in the literature in individuals affected with CACNA1G-related conditions. ClinVar contains an entry for this variant (Variation ID: 2233846). Advanced modeling of protein sequence and biophysical properties (such as structural, functional, and spatial information, amino acid conservation, physicochemical variation, residue mobility, and thermodynamic stability) performed at Invitae indicates that this missense variant is not expected to disrupt CACNA1G protein function with a negative predictive value of 95%. In summary, the available evidence is currently insufficient to determine the role of this variant in disease. Therefore, it has been classified as a Variant of Uncertain Significance.

CeGaT Center for Human Genetics Tuebingen
Classification: Uncertain significance. Last evaluated: 2022-04-01. Review status: criteria provided, single submitter. Criteria: CeGaT Center For Human Genetics Tuebingen Variant Classification Criteria Version 2. Collection method: clinical testing. Allele origin: germline. Affected: yes. Observed: 1 variant allele.

Ambry Genetics
Classification: Uncertain significance for Inborn genetic diseases. Last evaluated: 2021-06-21. Review status: criteria provided, single submitter. Criteria: Ambry Variant Classification Scheme 2023. Collection method: clinical testing. Allele origin: germline.

Blueprint Genetics
Classification: Uncertain significance. Last evaluated: 2019-10-16. Review status: criteria provided, single submitter. Criteria: ACMG Guidelines, 2015. Collection method: clinical testing. Allele origin: germline.

NM_018896.5(CACNA1G):c.6220G>C (p.Ala2074Pro)

Gene: CACNA1G (calcium voltage-gated channel subunit alpha1 G; plus strand). Cytogenetic location: 17q21.33.
Variant type: single nucleotide variant.
Coding change: c.6220G>C on transcript NM_018896.5 (MANE Select); coding-DNA position 6220, G replaced by C.
Protein change: p.Ala2074Pro; replaces alanine 2074 with proline.
Molecular consequence: missense variant. On other transcripts: non-coding transcript variant (5).
Genome position (GRCh38, 1-based): chr17:50,624,066, G>C. VCF-style: chr17-50624066-G-C. GRCh37 (hg19) VCF-style: chr17-48701427-G-C.
Other names: c.6031G>C, p.Ala2011Pro (NM_001256324.2); c.5962G>C, p.Ala1988Pro (NM_001256325.2); c.5950G>C, p.Ala1984Pro (NM_001256326.2); c.5920G>C, p.Ala1974Pro (NM_001256327.2); c.5866G>C, p.Ala1956Pro (NM_001256328.2); c.5839G>C, p.Ala1947Pro (NM_001256329.2, NM_198387.3, NM_198376.3); c.5806G>C, p.Ala1936Pro (NM_001256330.2); c.5785G>C, p.Ala1929Pro (NM_001256331.2); and 15 more; short protein forms A1943P, A1954P, A1984P, A2063P, A1947P, A2003P, A2040P, A1929P.
Identifiers: ClinVar variation 2233846 (VCV002233846.29), dbSNP rs57607229, ClinGen allele CA8653602.